The following is an entry in ClinVar:

ClinVar aggregate classification (germline): Likely pathogenic (1 of 4 stars; one submission).

Conditions:
3-methylglutaconic aciduria type 1 (MGCA1). Identifiers: Orphanet 67046, MedGen C0342727, MONDO:0009610, OMIM 250950.

Submission:

Juno Genomics, Hangzhou Juno Genomics, Inc
Classification: Likely pathogenic for 3-methylglutaconic aciduria type 1. Review status: criteria provided, single submitter. Criteria: ACMG Guidelines, 2015. Collection method: clinical testing. Allele origin: germline. Affected: yes.
Comment: Absent from controls (or at extremely low frequency if recessive) in Genome Aggregation Database, Exome Sequencing Project, 1000 Genomes Project, or Exome Aggregation Consortium.;Null variant in a gene where loss of function (LOF) is a known mechanism of disease.

NM_001698.3(AUH):c.612_613insC (p.Met205fs)

Gene: AUH (AU RNA binding methylglutaconyl-CoA hydratase; minus strand). Cytogenetic location: 9q22.31.
Variant type: Insertion.
Coding change: c.612_613insC on transcript NM_001698.3 (MANE Select); coding-DNA positions 612 to 613, C inserted.
Protein change: p.Met205fs; shifts the reading frame from methionine 205.
Molecular consequence: frameshift variant.
Genome position: GRCh38 VCF-style: chr9-91296063-T-TG. GRCh37 (hg19) VCF-style: chr9-94058345-T-TG.
Other names: c.525_526insC, p.Met176fs (NM_001306190.2); c.285_286insC, p.Met96fs (NM_001351431.2, NM_001351432.2, NM_001351433.2); short protein forms M176fs, M205fs, M96fs.
Identifiers: ClinVar variation 3382011 (VCV003382011.2).